The following is an entry in ClinVar:

NM_000257.4(MYH7):c.5761C>G (p.Arg1921Gly)

Gene: MYH7 (myosin heavy chain 7; minus strand). Cytogenetic location: 14q11.2.
Variant type: single nucleotide variant.
Coding change: c.5761C>G on transcript NM_000257.4 (MANE Select); coding-DNA position 5761, C replaced by G.
Protein change: p.Arg1921Gly; replaces arginine 1921 with glycine.
Molecular consequence: missense variant.
Genome position (GRCh38, 1-based): chr14:23,413,788, G>C on the plus strand (C>G on the coding strand, the complement: MYH7 is on the minus strand). VCF-style: chr14-23413788-G-C. GRCh37 (hg19) VCF-style: chr14-23882997-G-C.
Other names: c.5761C>G (LRG_384t1); short protein forms R1921G.
Identifiers: ClinVar variation 407181 (VCV000407181.8), dbSNP rs539290591, ClinGen allele CA16614381.

ClinVar aggregate classification (germline): Uncertain significance (1 of 4 stars; one submission).

Conditions:
Hypertrophic cardiomyopathy. Also called: HYPERTROPHIC MYOCARDIOPATHY. Identifiers: Orphanet 217569, MedGen C0007194, MeSH D002312, MONDO:0005045, HP:0001639.

gnomAD v4.1: 1 of 1,614,222 alleles (0.000062%); highest among the groups gnomAD compares: Non-Finnish European, 0.000085%; no homozygotes.

Submission:

Labcorp Genetics (formerly Invitae), Labcorp
Classification: Uncertain significance for Hypertrophic cardiomyopathy. Last evaluated: 2024-10-29. Review status: criteria provided, single submitter. Criteria: Invitae Variant Classification Sherloc (09022015). Collection method: clinical testing. Allele origin: germline.
Comment: This sequence change replaces arginine, which is basic and polar, with glycine, which is neutral and non-polar, at codon 1921 of the MYH7 protein (p.Arg1921Gly). This variant is not present in population databases (gnomAD no frequency). This variant has not been reported in the literature in individuals affected with MYH7-related conditions. ClinVar contains an entry for this variant (Variation ID: 407181). Invitae Evidence Modeling of protein sequence and biophysical properties (such as structural, functional, and spatial information, amino acid conservation, physicochemical variation, residue mobility, and thermodynamic stability) indicates that this missense variant is expected to disrupt MYH7 protein function with a positive predictive value of 95%. This variant disrupts the p.Arg1921 amino acid residue in MYH7. Other variant(s) that disrupt this residue have been determined to be pathogenic (PMID: 32746448; internal data). This suggests that this residue is clinically significant, and that variants that disrupt this residue are likely to be disease-causing. In summary, the available evidence is currently insufficient to determine the role of this variant in disease. Therefore, it has been classified as a Variant of Uncertain Significance.

Literature cited by the submitters: PubMed 32746448.